The following is an entry in ClinVar:

NM_033380.3(COL4A5):c.956G>A (p.Gly319Asp)

Gene: COL4A5 (collagen type IV alpha 5 chain; plus strand). Cytogenetic location: Xq22.3.
Variant type: single nucleotide variant.
Coding change: c.956G>A on transcript NM_033380.3 (MANE Select); coding-DNA position 956, G replaced by A.
Protein change: p.Gly319Asp; replaces glycine 319 with aspartic acid.
Molecular consequence: missense variant.
Genome position (GRCh38, 1-based): chrX:108,582,903, G>A. VCF-style: chrX-108582903-G-A. GRCh37 (hg19) VCF-style: chrX-107826133-G-A.
Other names: c.956G>A, p.Gly319Asp (NM_000495.5); short protein forms G319D.
Identifiers: ClinVar variation 24349 (VCV000024349.7), dbSNP rs104886086, ClinGen allele CA258369.
Genomic context (GRCh38, chrX:108,582,903, plus strand): 5'-ATCATTTGTGCTGATGTCACCCTATCCTCTATGTTTTAAAGGGTTTGCCTGGTGATCCTG[G>A]TTACCCTGGTGAACCCGGAAGGGATGGTGAAAAGGTAAGAATTTTAATACTTTGAAGTGA-3'
Protein context (NP_203699.1, residues 309-329): PGIPGLPGDP[Gly319Asp]YPGEPGRDGE

ClinVar aggregate classification (germline): Likely pathogenic. Review status: criteria provided, multiple submitters, no conflicts (2 of 4 stars). 2 submissions from 2 submitters: Likely pathogenic (2). Last evaluated 2024-04-10.

Conditions:
X-linked Alport syndrome (ATS1). Also called: COL4A5-Related Nephropathy; NEPHROPATHY AND DEAFNESS, X-LINKED. Identifiers: Orphanet 63, Orphanet 88917, MedGen C4746986, MONDO:0010520, OMIM 301050.

Submissions (2):

Fulgent Genetics
Classification: Likely pathogenic for X-linked Alport syndrome. Last evaluated: 2024-04-10. Review status: criteria provided, single submitter. Criteria: ACMG Guidelines, 2015. Collection method: clinical testing. Allele origin: germline.

Centre for Mendelian Genomics, University Medical Centre Ljubljana
Classification: Likely pathogenic for X-linked Alport syndrome. Last evaluated: 2018-11-05. Review status: criteria provided, single submitter. Criteria: ACMG Guidelines, 2015. Collection method: clinical testing. Allele origin: unknown. Affected: yes.
Comment: This variant was classified as: Likely pathogenic. The following ACMG criteria were applied in classifying this variant: PM1,PM2,PP3,PP2,PP5.